The following is an entry in ClinVar:

NM_007294.4(BRCA1):c.5277+78G>A

Gene: BRCA1 (BRCA1 DNA repair associated; minus strand). Cytogenetic location: 17q21.31.
Variant type: single nucleotide variant.
Coding change: c.5277+78G>A on transcript NM_007294.4 (MANE Select); 78 bases into the intron after coding-DNA position 5277, G replaced by A.
Molecular consequence: intron variant.
Genome position (GRCh38, 1-based): chr17:43,056,974, C>T on the plus strand (G>A on the coding strand, the complement: BRCA1 is on the minus strand). VCF-style: chr17-43056974-C-T. GRCh37 (hg19) VCF-style: chr17-41208991-C-T.
Other names: IVS20+78G>A; c.1824+78G>A (NM_001408458.1, NM_001408461.1, NM_001408464.1 and 7 more transcripts); c.4386+78G>A (NM_001407967.1); c.4896+78G>A (NM_001407959.1); c.5010+78G>A (NM_001407931.1, NM_001407932.1, NM_001407928.1 and 4 more transcripts); c.5133+78G>A (NM_001407747.1, NM_001407745.1, NM_001407737.1 and 21 more transcripts); c.4893+78G>A (NM_001407962.1, NM_001407960.1); c.1464+78G>A (NM_001408512.1); and 73 more.
Identifiers: ClinVar variation 125817 (VCV000125817.50), dbSNP rs80358107, ClinGen allele CA003429.
Genomic context (GRCh38, chr17:43,056,974, plus strand): 5'-AGAACCTGTGTGAAAGTATCTAGCACTGTGTATGTATGTAATAAGTCTTACAAAATGAAG[C>T]GGCCCATCTCTGCAAAGGGGAGTGGAATACAGAGTGGTGGGGTGAGATTTTTGTCAACTT-3'

ClinVar aggregate classification (germline): Benign. Review status: reviewed by expert panel (3 of 4 stars). 6 submissions from 6 submitters: Benign (1). 5 of the submissions do not count toward it. Last evaluated 2019-06-18.

Conditions:
Fanconi anemia, complementation group S (FANCS). Identifiers: MedGen C4554406, MONDO:0054748, OMIM 617883.
Familial cancer of breast. Also called: Hereditary breast cancer; hereditary breast carcinoma; BREAST CANCER, FAMILIAL. Identifiers: Orphanet 227535, MedGen C0346153, MONDO:0016419, OMIM 114480. Disease mechanism: loss of function.
Pancreatic cancer, susceptibility to, 4. Identifiers: Orphanet 1333, MedGen C3280442, MONDO:0013685, OMIM 614320.
Breast-ovarian cancer, familial, susceptibility to, 1 (BROVCA1). Also called: BRCA1 Hereditary Breast and Ovarian Cancer; OVARIAN CANCER, SUSCEPTIBILITY TO. Identifiers: Orphanet 145, MedGen C2676676, MONDO:0011450, OMIM 604370. Disease mechanism: loss of function.
Hereditary breast ovarian cancer syndrome. Also called: Hereditary breast and ovarian cancer syndrome (HBOC); Hereditary breast and ovarian cancer; Hereditary breast and ovarian cancer syndrome; Breast and ovarian cancer; Hereditary breast and/or ovarian cancer syndrome; BRCA1- and BRCA2-Associated Hereditary Breast and Ovarian Cancer. Identifiers: Orphanet 145, MedGen C0677776, MeSH D061325, MONDO:0003582. Disease mechanism: loss of function.

Allele frequency attached by ClinVar (database versions not stated): 1000 Genomes Project 30x 0.00016; 1000 Genomes Project 0.00020; TOPMed 0.00087; gnomAD 0.00093 and 0.00099.
gnomAD v4.1: 1,254 of 1,296,012 alleles (0.097%); highest among the groups gnomAD compares: Non-Finnish European, 0.12%; 2 homozygotes.

Submissions (6):

Evidence-based Network for the Interpretation of Germline Mutant Alleles (ENIGMA)
Classification: Benign for Breast-ovarian cancer, familial, susceptibility to, 1. Last evaluated: 2019-06-18. Review status: reviewed by expert panel. Criteria: ENIGMA BRCA1/2 Classification Criteria (2017-06-29). Collection method: curation. Allele origin: germline.
Comment: IARC class based on posterior probability from multifactorial likelihood analysis, thresholds for class as per Plon et al. 2008 (PMID: 18951446). Class 1 based on posterior probability = 7.78E-06

CeGaT Center for Human Genetics Tuebingen
Classification: Likely benign. Last evaluated: 2025-08-01. Review status: criteria provided, single submitter. Criteria: CeGaT Center For Human Genetics Tuebingen Variant Classification Criteria Version 2. Collection method: clinical testing. Allele origin: germline. Affected: yes. Observed: 7 variant alleles. Not counted in ClinVar's aggregate classification.
Comment: BRCA1: BS1

Fulgent Genetics
Classification: Likely benign for Familial cancer of breast; Breast-ovarian cancer, familial, susceptibility to, 1; Pancreatic cancer, susceptibility to, 4; Fanconi anemia, complementation group S. Last evaluated: 2022-04-19. Review status: criteria provided, single submitter. Criteria: ACMG Guidelines, 2015. Collection method: clinical testing. Allele origin: unknown. Not counted in ClinVar's aggregate classification.

National Health Laboratory Service, Universitas Academic Hospital and University of the Free State
Classification: Likely benign for Hereditary breast ovarian cancer syndrome. Last evaluated: 2022-04-19. Review status: criteria provided, single submitter. Criteria: ACMG Guidelines, 2015. Collection method: clinical testing. Allele origin: germline. Affected: yes. Observed: 4 variant alleles. Not counted in ClinVar's aggregate classification.

Breast Cancer Information Core (BIC) (BRCA1)
Classification: Uncertain significance for Breast-ovarian cancer, familial 1. Last evaluated: 2000-08-09. Review status: no assertion criteria provided. Collection method: clinical testing. Allele origin: germline. Affected: yes. Observed: 7 variant alleles. Not counted in ClinVar's aggregate classification.

Department of Pathology and Laboratory Medicine, Sinai Health System
Classification: Likely benign. Review status: no assertion criteria provided. Collection method: clinical testing. Allele origin: unknown. Affected: yes. Observed: 1 variant allele. Study: The Canadian Open Genetics Repository (COGR). Not counted in ClinVar's aggregate classification.
Comment: The BRCA1 c.5277+78G>A variant has not been reported in the literature nor previously identified by our laboratory. This is an intronic variant, which occurs outside the consensus splice site sequences, and is not found to impact on splicing using the prediction programs. It is listed in the dbSNP database from a clinical source with no information on the population frequency. Based on the information above, this variant is likely benign.

Literature cited by the submitters: PubMed 31131967 (cited by Evidence-based Network for the Interpretation of Germline Mutant Alleles (ENIGMA)); DOI 10.3389/fgene.2022.834265 (cited by National Health Laboratory Service, Universitas Academic Hospital and University of the Free State).